The following is an entry in ClinVar:

NM_001040142.2(SCN2A):c.5942C>G (p.Pro1981Arg)

Gene: SCN2A (sodium voltage-gated channel alpha subunit 2; plus strand). Cytogenetic location: 2q24.3.
Variant type: single nucleotide variant.
Coding change: c.5942C>G on transcript NM_001040142.2 (MANE Select); coding-DNA position 5942, C replaced by G.
Protein change: p.Pro1981Arg; replaces proline 1981 with arginine.
Molecular consequence: missense variant.
Genome position (GRCh38, 1-based): chr2:165,389,748, C>G. VCF-style: chr2-165389748-C-G. GRCh37 (hg19) VCF-style: chr2-166246258-C-G.
Other names: c.5942C>G, p.Pro1981Arg (NM_001040143.2, NM_001371246.1, NM_001371247.1 and 1 more transcripts); short protein forms P1981R.
Identifiers: ClinVar variation 1318678 (VCV001318678.6), dbSNP rs752211376, ClinGen allele CA1940447.

ClinVar aggregate classification (germline): Uncertain significance. Review status: criteria provided, multiple submitters, no conflicts (2 of 4 stars). 2 submissions from 2 submitters: Uncertain significance (2). Last evaluated 2021-08-31.

Conditions:
Developmental and epileptic encephalopathy, 11 (DEE11). Also called: Early infantile epileptic encephalopathy 11. Identifiers: Orphanet 1934, MedGen C3150987, MONDO:0013388, OMIM 613721.
Seizures, benign familial infantile, 3 (BFIS3). Also called: CONVULSIONS, BENIGN FAMILIAL INFANTILE, 3; Familial neonatal seizures. Identifiers: Orphanet 140927, Orphanet 306, MedGen C1843140, MONDO:0011904, OMIM 607745.

gnomAD v4.1: 4 of 1,612,972 alleles (0.00025%); highest among the groups gnomAD compares: Non-Finnish European, 0.00034%; no homozygotes.

Submissions (2):

Labcorp Genetics (formerly Invitae), Labcorp
Classification: Uncertain significance for Seizures, benign familial infantile, 3; Developmental and epileptic encephalopathy, 11. Last evaluated: 2021-08-31. Review status: criteria provided, single submitter. Criteria: Invitae Variant Classification Sherloc (09022015). Collection method: clinical testing. Allele origin: germline.
Comment: This sequence change replaces proline with arginine at codon 1981 of the SCN2A protein (p.Pro1981Arg). The proline residue is highly conserved and there is a moderate physicochemical difference between proline and arginine. This variant is present in population databases (rs752211376, ExAC 0.002%). This variant has not been reported in the literature in individuals affected with SCN2A-related conditions. Algorithms developed to predict the effect of missense changes on protein structure and function (SIFT, PolyPhen-2, Align-GVGD) all suggest that this variant is likely to be disruptive. In summary, the available evidence is currently insufficient to determine the role of this variant in disease. Therefore, it has been classified as a Variant of Uncertain Significance.

GeneDx
Classification: Uncertain significance. Last evaluated: 2019-09-11. Review status: criteria provided, single submitter. Criteria: GeneDx Variant Classification Process June 2021. Collection method: clinical testing. Allele origin: germline. Affected: yes.
Comment: The majority of missense variants in this gene are considered pathogenic (Stenson et al., 2014); In silico analysis, which includes protein predictors and evolutionary conservation, supports a deleterious effect; Has not been previously published as pathogenic or benign to our knowledge; This substitution is predicted to be within the C-terminal cytoplasmic domain.